The following is an entry in ClinVar:

ClinVar aggregate classification (germline): Likely benign (0 of 4 stars; one submission).

Conditions:
CLASP1-related disorder. Also called: CLASP1-related condition.

Allele frequency attached by ClinVar (database versions not stated): gnomAD 0.00004; gnomAD exomes 0.00005; TOPMed 0.00006; ESP Exome Variant Server 0.00008; ExAC 0.00011.
gnomAD v4.1: 84 of 1,586,078 alleles (0.0053%); highest among the groups gnomAD compares: Admixed American, 0.018%; no homozygotes.

Submission:

PreventionGenetics, part of Exact Sciences
Classification: Likely benign for CLASP1-related condition. Last evaluated: 2020-02-19. Review status: no assertion criteria provided. Collection method: clinical testing. Allele origin: germline.
Comment: This variant is classified as likely benign based on ACMG/AMP sequence variant interpretation guidelines (Richards et al. 2015 PMID: 25741868, with internal and published modifications).

NM_001395891.1(CLASP1):c.3462C>T (p.Asp1154=)

Gene: CLASP1 (cytoplasmic linker associated protein 1; minus strand). Cytogenetic location: 2q14.2.
Variant type: single nucleotide variant.
Coding change: c.3462C>T on transcript NM_001395891.1 (MANE Select); coding-DNA position 3462, C replaced by T.
Protein change: p.Asp1154=; no amino-acid change (aspartic acid 1154 retained).
Molecular consequence: synonymous variant. On other transcripts: intron variant (6).
Genome position (GRCh38, 1-based): chr2:121,382,300, G>A on the plus strand (C>T on the coding strand, the complement: CLASP1 is on the minus strand). VCF-style: chr2-121382300-G-A. GRCh37 (hg19) VCF-style: chr2-122139876-G-A.
Other names: c.3399C>T, p.Asp1133= (NM_015282.3); c.3291-4651C>T (NM_001142274.2); c.3396-4651C>T (NM_001378003.1); c.3288-4651C>T (NM_001378004.1); c.3315-4651C>T (NM_001142273.2); c.3309-4651C>T (NM_001207051.2, NM_001378005.1).
Identifiers: ClinVar variation 3048173 (VCV003048173.2), dbSNP rs371184633, ClinGen allele CA1853634.
Genomic context (GRCh38, chr2:121,382,300, plus strand): 5'-GGAGGGAGCGGTGGGGATGGAGTTAGGCTGAGAAAAGGGAGGTGGGTGCTTCGCTAACCC[G>A]TCGGCACTCCAACCCCATAACCGACTGCAGTGATCAGAAGAGGAAAATCAGAGAGAGAAA-3'
Protein context (NP_001382820.1, residues 1144-1164): SPSRLWGWSA[Asp1154=]GLAKHPPPFS